The following is an entry in ClinVar:

ClinVar aggregate classification (germline): Uncertain significance (1 of 4 stars; one submission).

Conditions:
RAB11B-related disorder. Also called: RAB11B-related condition.

Submission:

PreventionGenetics, part of Exact Sciences
Classification: Uncertain significance for RAB11B-related condition. Last evaluated: 2023-10-02. Review status: criteria provided, single submitter. Criteria: ACMG Guidelines, 2015. Collection method: clinical testing. Allele origin: germline.
Comment: The RAB11B c.541A>T variant is predicted to result in the amino acid substitution p.Ile181Phe. To our knowledge, this variant has not been reported in the literature or in a large population database, indicating this variant is rare. At this time, the clinical significance of this variant is uncertain due to the absence of conclusive functional and genetic evidence.

NM_004218.4(RAB11B):c.541A>T (p.Ile181Phe)

Gene: RAB11B (RAB11B, member RAS oncogene family; plus strand). Cytogenetic location: 19p13.2.
Variant type: single nucleotide variant.
Coding change: c.541A>T on transcript NM_004218.4 (MANE Select); coding-DNA position 541, A replaced by T.
Protein change: p.Ile181Phe; replaces isoleucine 181 with phenylalanine.
Molecular consequence: missense variant.
Genome position (GRCh38, 1-based): chr19:8,403,442, A>T. VCF-style: chr19-8403442-A-T. GRCh37 (hg19) VCF-style: chr19-8468326-A-T.
Other names: short protein forms I181F.
Identifiers: ClinVar variation 2633983 (VCV002633983.1), dbSNP rs2512748987, ClinGen allele CA403716465.